The following is an entry in ClinVar:

ClinVar aggregate classification (germline): Uncertain significance. Review status: criteria provided, multiple submitters, no conflicts (2 of 4 stars). 2 submissions from 2 submitters: Uncertain significance (2). Last evaluated 2021-08-27.

Conditions:
Familial cancer of breast. Also called: hereditary breast carcinoma; BREAST CANCER, FAMILIAL; Hereditary breast cancer. Identifiers: Orphanet 227535, MedGen C0346153, MONDO:0016419, OMIM 114480. Disease mechanism: loss of function.
Fanconi anemia complementation group J. Also called: BRIP1-Related Fanconi Anemia. Identifiers: Orphanet 84, MedGen C1836860, MONDO:0012187, OMIM 609054.
Hereditary cancer-predisposing syndrome. Also called: Hereditary neoplastic syndrome; Neoplastic Syndromes, Hereditary; Hereditary Cancer Syndrome; Tumor predisposition. Identifiers: Orphanet 140162, MedGen C0027672, MeSH D009386, MONDO:0015356.

Allele frequency attached by ClinVar (database versions not stated): gnomAD exomes below 0.00001.
gnomAD v4.1: 1 of 1,614,172 alleles (0.000062%); highest among the groups gnomAD compares: Non-Finnish European, 0.000085%; no homozygotes.

Submissions (2):

Labcorp Genetics (formerly Invitae), Labcorp
Classification: Uncertain significance for Familial cancer of breast; Fanconi anemia complementation group J. Last evaluated: 2021-08-27. Review status: criteria provided, single submitter. Criteria: Invitae Variant Classification Sherloc (09022015). Collection method: clinical testing. Allele origin: germline.
Comment: This sequence change replaces glutamine with arginine at codon 689 of the BRIP1 protein (p.Gln689Arg). The glutamine residue is moderately conserved and there is a small physicochemical difference between glutamine and arginine. This variant is not present in population databases (ExAC no frequency). This variant has not been reported in the literature in individuals affected with BRIP1-related conditions. Algorithms developed to predict the effect of missense changes on protein structure and function (SIFT, PolyPhen-2, Align-GVGD) all suggest that this variant is likely to be tolerated. In summary, the available evidence is currently insufficient to determine the role of this variant in disease. Therefore, it has been classified as a Variant of Uncertain Significance.

Ambry Genetics
Classification: Uncertain significance for Hereditary cancer-predisposing syndrome. Last evaluated: 2020-04-21. Review status: criteria provided, single submitter. Criteria: Ambry Variant Classification Scheme 2023. Collection method: clinical testing. Allele origin: germline.
Comment: The p.Q689R variant (also known as c.2066A>G), located in coding exon 13 of the BRIP1 gene, results from an A to G substitution at nucleotide position 2066. The glutamine at codon 689 is replaced by arginine, an amino acid with highly similar properties. This amino acid position is not well conserved in available vertebrate species. In addition, the in silico prediction for this alteration is inconclusive. Since supporting evidence is limited at this time, the clinical significance of this alteration remains unclear.

NM_032043.3(BRIP1):c.2066A>G (p.Gln689Arg)

Gene: BRIP1 (BRCA1 interacting DNA helicase 1; minus strand). Cytogenetic location: 17q23.2.
Variant type: single nucleotide variant.
Coding change: c.2066A>G on transcript NM_032043.3 (MANE Select); coding-DNA position 2066, A replaced by G.
Protein change: p.Gln689Arg; replaces glutamine 689 with arginine.
Molecular consequence: missense variant.
Genome position (GRCh38, 1-based): chr17:61,776,432, T>C on the plus strand (A>G on the coding strand, the complement: BRIP1 is on the minus strand). VCF-style: chr17-61776432-T-C. GRCh37 (hg19) VCF-style: chr17-59853793-T-C.
Other names: short protein forms Q689R.
Identifiers: ClinVar variation 1418363 (VCV001418363.8), dbSNP rs2145027105, ClinGen allele CA400478095.
Genomic context (GRCh38, chr17:61,776,432, plus strand): 5'-GGCAAAAGAAACAATAAATATTCCCTTACCTTGTAAGATGGCAAGAAACACAAAATTCCT[T>C]GGCTCACAGTCTGGCACACAGATAACAAAAGTGCTCCCACTTCATCTTGGAACTCAAATG-3'
Protein context (NP_114432.2, residues 679-699): LLLSVCQTVS[Gln689Arg]GILCFLPSYK